The following is an entry in ClinVar:

NM_000057.4(BLM):c.2630_2633del (p.Asp877fs)

Gene: BLM (BLM RecQ like helicase; plus strand). Cytogenetic location: 15q26.1.
Variant type: Deletion.
Coding change: c.2630_2633del on transcript NM_000057.4 (MANE Select); coding-DNA positions 2630 to 2633, 4 bases deleted (ATTG; older notation c.2630_2633delATTG).
Protein change: p.Asp877fs; shifts the reading frame from aspartic acid 877.
Molecular consequence: frameshift variant.
Genome position (GRCh38, 1-based): chr15:90,782,896-90,782,899, ATTG deleted; deleting any 4 consecutive bases within chr15:90,782,893-90,782,899 gives the same sequence; the c. name uses the placement nearest the transcript's 3' end. VCF-style (leftmost placement, unchanged base first): chr15-90782892-TTTGA-T. GRCh37 (hg19) VCF-style: chr15-91326122-TTTGA-T.
Other names: c.2630_2633del, p.Asp877fs (NM_001287246.2, NM_001287247.2); c.1505_1508del, p.Asp502fs (NM_001287248.2); short protein forms D502fs, D877fs.
Identifiers: ClinVar variation 2586893 (VCV002586893.2), dbSNP rs2505495637, ClinGen allele CA2582342628.

ClinVar aggregate classification (germline): Pathogenic (1 of 4 stars; one submission).

Conditions:
Hereditary cancer-predisposing syndrome. Also called: Hereditary neoplastic syndrome; Tumor predisposition; Hereditary Cancer Syndrome; Neoplastic Syndromes, Hereditary. Identifiers: Orphanet 140162, MedGen C0027672, MeSH D009386, MONDO:0015356.

Submission:

Ambry Genetics
Classification: Pathogenic for Hereditary cancer-predisposing syndrome. Last evaluated: 2023-08-21. Review status: criteria provided, single submitter. Criteria: Ambry Variant Classification Scheme 2023. Collection method: clinical testing. Allele origin: germline.
Comment: The c.2630_2633delATTG pathogenic mutation, located in coding exon 12 of the BLM gene, results from a deletion of 4 nucleotides at nucleotide positions 2630 to 2633, causing a translational frameshift with a predicted alternate stop codon (p.D877Afs*2). This variant is considered to be rare based on population cohorts in the Genome Aggregation Database (gnomAD). This alteration is expected to result in loss of function by premature protein truncation or nonsense-mediated mRNA decay. As such, this alteration is interpreted as a disease-causing mutation.